The following is an entry in ClinVar:

ClinVar aggregate classification (germline): Uncertain significance. Review status: criteria provided, multiple submitters, no conflicts (2 of 4 stars). 3 submissions from 3 submitters: Uncertain significance (3). Last evaluated 2024-10-14.

Conditions:
Renal carnitine transport defect (CDSP). Also called: Carnitine transporter deficiency; Carnitine Deficiency, Systemic; Primary carnitine deficiency; CARNITINE DEFICIENCY, SYSTEMIC, DUE TO DEFECT IN RENAL REABSORPTION OF CARNITINE; CARNITINE TRANSPORTER, PLASMA-MEMBRANE, DEFICIENCY OF; CARNITINE UPTAKE DEFECT. Identifiers: Orphanet 158, MedGen C0342788, MONDO:0008919, OMIM 212140.

Allele frequency attached by ClinVar (database versions not stated): gnomAD 0.00001; ExAC 0.00004; 1000 Genomes Project 30x 0.00016; 1000 Genomes Project 0.00020.
gnomAD v4.1: 16 of 1,614,180 alleles (0.00099%); highest among the groups gnomAD compares: South Asian, 0.016%; 1 homozygote.

Submissions (3):

Labcorp Genetics (formerly Invitae), Labcorp
Classification: Uncertain significance for Renal carnitine transport defect. Last evaluated: 2024-10-14. Review status: criteria provided, single submitter. Criteria: Invitae Variant Classification Sherloc (09022015). Collection method: clinical testing. Allele origin: germline.
Comment: This sequence change replaces aspartic acid, which is acidic and polar, with tyrosine, which is neutral and polar, at codon 138 of the SLC22A5 protein (p.Asp138Tyr). This variant is present in population databases (rs534336326, gnomAD 0.02%). This missense change has been observed in individual(s) with clinical features of SLC22A5-related conditions (internal data). In at least one individual the data is consistent with being in trans (on the opposite chromosome) from a pathogenic variant. ClinVar contains an entry for this variant (Variation ID: 1021133). Invitae Evidence Modeling of protein sequence and biophysical properties (such as structural, functional, and spatial information, amino acid conservation, physicochemical variation, residue mobility, and thermodynamic stability) has been performed for this missense variant. However, the output from this modeling did not meet the statistical confidence thresholds required to predict the impact of this variant on SLC22A5 protein function. In summary, the available evidence is currently insufficient to determine the role of this variant in disease. Therefore, it has been classified as a Variant of Uncertain Significance.

Giacomini Lab, University of California, San Francisco
Classification: Uncertain significance for Renal carnitine transport defect. Last evaluated: 2022-10-03. Review status: criteria provided, single submitter. Criteria: ACMG Guidelines, 2015. Collection method: research, in vitro. Allele origin: germline, not applicable.

Breakthrough Genomics
Classification: Uncertain significance. Review status: criteria provided, single submitter. Criteria: ACMG Guidelines, 2015. Collection method: not provided. Allele origin: germline. Inheritance: Autosomal recessive inheritance. Affected: yes.

NM_003060.4(SLC22A5):c.412G>T (p.Asp138Tyr)

Gene: SLC22A5 (solute carrier family 22 member 5; plus strand). Cytogenetic location: 5q31.1.
Variant type: single nucleotide variant.
Coding change: c.412G>T on transcript NM_003060.4 (MANE Select); coding-DNA position 412, G replaced by T.
Protein change: p.Asp138Tyr; replaces aspartic acid 138 with tyrosine.
Molecular consequence: missense variant.
Genome position (GRCh38, 1-based): chr5:132,378,396, G>T. VCF-style: chr5-132378396-G-T. GRCh37 (hg19) VCF-style: chr5-131714088-G-T.
Other names: p.Asp138Tyr; c.484G>T, p.Asp162Tyr (NM_001308122.2); short protein forms D138Y, D162Y.
Identifiers: ClinVar variation 1021133 (VCV001021133.10), dbSNP rs534336326, ClinGen allele CA3403884.